The following is an entry in ClinVar:

ClinVar aggregate classification (germline): Uncertain significance. Review status: criteria provided, multiple submitters, no conflicts (2 of 4 stars). 2 submissions from 2 submitters: Uncertain significance (2). Last evaluated 2022-11-07.

Conditions:
Inborn genetic diseases. Identifiers: MedGen C0950123, MeSH D030342.

Allele frequency attached by ClinVar (database versions not stated): TOPMed below 0.00001.

Submissions (2):

Labcorp Genetics (formerly Invitae), Labcorp
Classification: Uncertain significance. Last evaluated: 2022-11-07. Review status: criteria provided, single submitter. Criteria: Invitae Variant Classification Sherloc (09022015). Collection method: clinical testing. Allele origin: germline.
Comment: This sequence change replaces glycine, which is neutral and non-polar, with aspartic acid, which is acidic and polar, at codon 183 of the SLC25A4 protein (p.Gly183Asp). In summary, the available evidence is currently insufficient to determine the role of this variant in disease. Therefore, it has been classified as a Variant of Uncertain Significance. Advanced modeling of protein sequence and biophysical properties (such as structural, functional, and spatial information, amino acid conservation, physicochemical variation, residue mobility, and thermodynamic stability) has been performed at Invitae for this missense variant, however the output from this modeling did not meet the statistical confidence thresholds required to predict the impact of this variant on SLC25A4 protein function. This variant has not been reported in the literature in individuals affected with SLC25A4-related conditions. This variant is not present in population databases (gnomAD no frequency).

Ambry Genetics
Classification: Uncertain significance for Inborn genetic diseases. Last evaluated: 2022-07-27. Review status: criteria provided, single submitter. Criteria: Ambry Variant Classification Scheme 2023. Collection method: clinical testing. Allele origin: germline.

NM_001151.4(SLC25A4):c.548G>A (p.Gly183Asp)

Gene: SLC25A4 (solute carrier family 25 member 4; plus strand). Cytogenetic location: 4q35.1.
Variant type: single nucleotide variant.
Coding change: c.548G>A on transcript NM_001151.4 (MANE Select); coding-DNA position 548, G replaced by A.
Protein change: p.Gly183Asp; replaces glycine 183 with aspartic acid.
Molecular consequence: missense variant.
Genome position (GRCh38, 1-based): chr4:185,145,200, G>A. VCF-style: chr4-185145200-G-A. GRCh37 (hg19) VCF-style: chr4-186066354-G-A.
Other names: short protein forms G183D.
Identifiers: ClinVar variation 1968068 (VCV001968068.6), dbSNP rs984147876, ClinGen allele CA112006188.